The following is an entry in ClinVar:

ClinVar aggregate classification (germline): Uncertain significance (1 of 4 stars; one submission).

Submission:

Labcorp Genetics (formerly Invitae), Labcorp
Classification: Uncertain significance. Last evaluated: 2021-08-05. Review status: criteria provided, single submitter. Criteria: Invitae Variant Classification Sherloc (09022015). Collection method: clinical testing. Allele origin: germline.
Comment: This variant is not present in population databases (ExAC no frequency). This sequence change falls in intron 6 of the NPR3 gene. It does not directly change the encoded amino acid sequence of the NPR3 protein. This variant has not been reported in the literature in individuals affected with NPR3-related conditions. Algorithms developed to predict the effect of sequence changes on RNA splicing suggest that this variant may disrupt the consensus splice site. In summary, the available evidence is currently insufficient to determine the role of this variant in disease. Therefore, it has been classified as a Variant of Uncertain Significance.

NM_001204375.2(NPR3):c.1427-2A>G

Gene: NPR3 (natriuretic peptide receptor 3; plus strand). Cytogenetic location: 5p13.3.
Variant type: single nucleotide variant.
Coding change: c.1427-2A>G on transcript NM_001204375.2 (MANE Select); the canonical splice acceptor site of the intron before coding-DNA position 1427, A replaced by G.
Molecular consequence: splice acceptor variant. On other transcripts: intron variant (2).
Genome position (GRCh38, 1-based): chr5:32,784,794, A>G. VCF-style: chr5-32784794-A-G. GRCh37 (hg19) VCF-style: chr5-32784900-A-G.
Other names: c.707-2A>G (NM_001364458.2); c.779-2A>G (NM_001363652.2); c.779-5A>G (NM_001204376.2); c.656-2A>G (NM_001364460.2); c.1427-5A>G (NM_000908.4).
Identifiers: ClinVar variation 1409458 (VCV001409458.6), dbSNP rs2112076734, ClinGen allele CA359468763.